The following is an entry in ClinVar:

ClinVar aggregate classification (germline): Uncertain significance (1 of 4 stars; one submission).

Conditions:
EDN3-related disorder. Also called: EDN3-related condition.

Submission:

PreventionGenetics, part of Exact Sciences
Classification: Uncertain significance for EDN3-related condition. Last evaluated: 2025-04-23. Review status: criteria provided, single submitter. Criteria: ACMG Guidelines, 2015. Collection method: clinical testing. Allele origin: germline.
Comment: The EDN3 c.481T>G variant is predicted to result in the amino acid substitution p.Cys161Gly. To our knowledge, this variant has not been reported in the literature or in a large population database (gnomAD), indicating this variant is rare. At this time, the clinical significance of this variant is uncertain due to the absence of conclusive functional and genetic evidence.

NM_207034.3(EDN3):c.481T>G (p.Cys161Gly)

Gene: EDN3 (endothelin 3; plus strand). Cytogenetic location: 20q13.32.
Variant type: single nucleotide variant.
Coding change: c.481T>G on transcript NM_207034.3 (MANE Select); coding-DNA position 481, T replaced by G.
Protein change: p.Cys161Gly; replaces cysteine 161 with glycine.
Molecular consequence: missense variant.
Genome position (GRCh38, 1-based): chr20:59,321,132, T>G. VCF-style: chr20-59321132-T-G. GRCh37 (hg19) VCF-style: chr20-57896187-T-G.
Other names: c.481T>G, p.Cys161Gly (NM_001302455.2, NM_001302456.2, NM_001424361.1 and 4 more transcripts); short protein forms C161G.
Identifiers: ClinVar variation 4984469 (VCV004984469.1).